The following is an entry in ClinVar:

ClinVar aggregate classification (germline): Uncertain significance (1 of 4 stars; one submission).

gnomAD v4.1: 2 of 1,612,992 alleles (0.00012%); highest among the groups gnomAD compares: African/African-American, 0.0013%; no homozygotes.

Submission:

Labcorp Genetics (formerly Invitae), Labcorp
Classification: Uncertain significance. Last evaluated: 2025-01-24. Review status: criteria provided, single submitter. Criteria: Invitae Variant Classification Sherloc (09022015). Collection method: clinical testing. Allele origin: germline.
Comment: This sequence change replaces valine, which is neutral and non-polar, with methionine, which is neutral and non-polar, at codon 178 of the LONP1 protein (p.Val178Met). This variant is not present in population databases (gnomAD no frequency). This variant has not been reported in the literature in individuals affected with LONP1-related conditions. Invitae Evidence Modeling of protein sequence and biophysical properties (such as structural, functional, and spatial information, amino acid conservation, physicochemical variation, residue mobility, and thermodynamic stability) indicates that this missense variant is not expected to disrupt LONP1 protein function with a negative predictive value of 95%. In summary, the available evidence is currently insufficient to determine the role of this variant in disease. Therefore, it has been classified as a Variant of Uncertain Significance.

NM_004793.4(LONP1):c.532G>A (p.Val178Met)

Gene: LONP1 (lon peptidase 1, mitochondrial; minus strand). Cytogenetic location: 19p13.3.
Variant type: single nucleotide variant.
Coding change: c.532G>A on transcript NM_004793.4 (MANE Select); coding-DNA position 532, G replaced by A.
Protein change: p.Val178Met; replaces valine 178 with methionine.
Molecular consequence: missense variant. On other transcripts: 5 prime UTR variant (1), non-coding transcript variant (1).
Genome position (GRCh38, 1-based): chr19:5,713,240, C>T on the plus strand (G>A on the coding strand, the complement: LONP1 is on the minus strand). VCF-style: chr19-5713240-C-T. GRCh37 (hg19) VCF-style: chr19-5713251-C-T.
Other names: c.340G>A, p.Val114Met (NM_001276479.2); c.-57G>A (NM_001276480.1); short protein forms V178M, V114M.
Identifiers: ClinVar variation 3686591 (VCV003686591.2).